The following is an entry in ClinVar:

ClinVar aggregate classification (germline): Uncertain significance (1 of 4 stars; one submission).

gnomAD v4.1: 3 of 1,613,972 alleles (0.00019%); highest among the groups gnomAD compares: East Asian, 0.0067%; no homozygotes.

Submission:

Labcorp Genetics (formerly Invitae), Labcorp
Classification: Uncertain significance. Last evaluated: 2024-10-21. Review status: criteria provided, single submitter. Criteria: Invitae Variant Classification Sherloc (09022015). Collection method: clinical testing. Allele origin: germline.
Comment: This sequence change replaces serine, which is neutral and polar, with threonine, which is neutral and polar, at codon 1961 of the USH2A protein (p.Ser1961Thr). This variant is present in population databases (rs772764821, gnomAD 0.006%). This variant has not been reported in the literature in individuals affected with USH2A-related conditions. Invitae Evidence Modeling of protein sequence and biophysical properties (such as structural, functional, and spatial information, amino acid conservation, physicochemical variation, residue mobility, and thermodynamic stability) indicates that this missense variant is not expected to disrupt USH2A protein function with a negative predictive value of 95%. In summary, the available evidence is currently insufficient to determine the role of this variant in disease. Therefore, it has been classified as a Variant of Uncertain Significance.

NM_206933.4(USH2A):c.5881T>A (p.Ser1961Thr)

Gene: USH2A (usherin; minus strand). Cytogenetic location: 1q41.
Variant type: single nucleotide variant.
Coding change: c.5881T>A on transcript NM_206933.4 (MANE Select); coding-DNA position 5881, T replaced by A.
Protein change: p.Ser1961Thr; replaces serine 1961 with threonine.
Molecular consequence: missense variant.
Genome position (GRCh38, 1-based): chr1:216,070,269, A>T on the plus strand (T>A on the coding strand, the complement: USH2A is on the minus strand). VCF-style: chr1-216070269-A-T. GRCh37 (hg19) VCF-style: chr1-216243611-A-T.
Other names: short protein forms S1961T.
Identifiers: ClinVar variation 3710948 (VCV003710948.2).